The following is an entry in ClinVar:

NM_024426.6(WT1):c.875C>A (p.Thr292Lys)

Gene: WT1 (WT1 transcription factor; minus strand). Cytogenetic location: 11p13.
Variant type: single nucleotide variant.
Coding change: c.875C>A on transcript NM_024426.6 (MANE Select); coding-DNA position 875, C replaced by A.
Protein change: p.Thr292Lys; replaces threonine 292 with lysine.
Molecular consequence: missense variant. On other transcripts: non-coding transcript variant (1).
Genome position (GRCh38, 1-based): chr11:32,427,968, G>T on the plus strand (C>A on the coding strand, the complement: WT1 is on the minus strand). VCF-style: chr11-32427968-G-T. GRCh37 (hg19) VCF-style: chr11-32449514-G-T.
Other names: c.875C>A, p.Thr292Lys (NM_000378.6, NM_001407044.1, NM_001407045.1 and 4 more transcripts); c.224C>A, p.Thr75Lys (NM_001198551.2, NM_001198552.2); c.752C>A, p.Thr251Lys (NM_001407047.1, NM_001407050.1); c.113C>A, p.Thr38Lys (NM_001407051.1); c.860C>A, p.Thr287Lys (NM_024425.2); c.860C>A (NM_024426.4); short protein forms T292K, T75K, T251K, T287K, T38K.
Identifiers: ClinVar variation 1418767 (VCV001418767.8), dbSNP rs1853114358, ClinGen allele CA379962825.

ClinVar aggregate classification (germline): Uncertain significance. Review status: criteria provided, multiple submitters, no conflicts (2 of 4 stars). 2 submissions from 2 submitters: Uncertain significance (2). Last evaluated 2024-12-26.

Conditions:
Frasier syndrome. Identifiers: Orphanet 347, MedGen C0950122, MeSH D052159, MONDO:0007635, OMIM 136680.
Drash syndrome (DDS). Also called: NEPHROPATHY, WILMS TUMOR, AND GENITAL ANOMALIES; WILMS TUMOR AND PSEUDO- OR TRUE HERMAPHRODITISM. Identifiers: Orphanet 220, MedGen C0950121, MONDO:0008682, OMIM 194080.
Wilms tumor 1 (WT1). Also called: Wilms tumor, somatic. Identifiers: Orphanet 654, MedGen CN033288, MONDO:0008679, OMIM 194070.
11p partial monosomy syndrome (WAGR). Also called: WAGR Complex; CHROMOSOME 11p13 DELETION SYNDROME; WAGR Spectrum Disorder; WAGR syndrome. Identifiers: Orphanet 893, MedGen C0206115, MONDO:0008681, OMIM 194072.
Inborn genetic diseases. Identifiers: MedGen C0950123, MeSH D030342.

Submissions (2):

Ambry Genetics
Classification: Uncertain significance for Inborn genetic diseases. Last evaluated: 2024-12-26. Review status: criteria provided, single submitter. Criteria: Ambry Variant Classification Scheme 2023. Collection method: clinical testing. Allele origin: germline.
Comment: The p.T287K variant (also known as c.860C>A), located in coding exon 3 of the WT1 gene, results from a C to A substitution at nucleotide position 860. The threonine at codon 287 is replaced by lysine, an amino acid with similar properties. This amino acid position is conserved. In addition, the in silico prediction for this alteration is inconclusive. Based on the available evidence, the clinical significance of this variant remains unclear.

Labcorp Genetics (formerly Invitae), Labcorp
Classification: Uncertain significance for Wilms tumor 1; Drash syndrome; 11p partial monosomy syndrome; Frasier syndrome. Last evaluated: 2021-08-31. Review status: criteria provided, single submitter. Criteria: Invitae Variant Classification Sherloc (09022015). Collection method: clinical testing. Allele origin: germline.
Comment: In summary, the available evidence is currently insufficient to determine the role of this variant in disease. Therefore, it has been classified as a Variant of Uncertain Significance. Algorithms developed to predict the effect of missense changes on protein structure and function are either unavailable or do not agree on the potential impact of this missense change (SIFT: "Deleterious"; PolyPhen-2: "Possibly Damaging"; Align-GVGD: "Class C15"). This variant has not been reported in the literature in individuals affected with WT1-related conditions. This variant is not present in population databases (ExAC no frequency). This sequence change replaces threonine with lysine at codon 287 of the WT1 protein (p.Thr287Lys). The threonine residue is highly conserved and there is a moderate physicochemical difference between threonine and lysine.